The following is an entry in ClinVar:

ClinVar aggregate classification (germline): Uncertain significance (1 of 4 stars; one submission).

Submission:

Labcorp Genetics (formerly Invitae), Labcorp
Classification: Uncertain significance. Last evaluated: 2021-06-06. Review status: criteria provided, single submitter. Criteria: Invitae Variant Classification Sherloc (09022015). Collection method: clinical testing. Allele origin: germline.
Comment: In summary, the available evidence is currently insufficient to determine the role of this variant in disease. Therefore, it has been classified as a Variant of Uncertain Significance. Algorithms developed to predict the effect of missense changes on protein structure and function are either unavailable or do not agree on the potential impact of this missense change (SIFT: "Tolerated"; PolyPhen-2: "Probably Damaging"; Align-GVGD: "Class C0"). This variant has not been reported in the literature in individuals with CEP135-related conditions. This variant is present in population databases (rs755001124, ExAC 0.006%). This sequence change replaces arginine with histidine at codon 168 of the CEP135 protein (p.Arg168His). The arginine residue is moderately conserved and there is a small physicochemical difference between arginine and histidine.

NM_025009.5(CEP135):c.503G>A (p.Arg168His)

Gene: CEP135 (centrosomal protein 135; plus strand). Cytogenetic location: 4q12.
Variant type: single nucleotide variant.
Coding change: c.503G>A on transcript NM_025009.5 (MANE Select); coding-DNA position 503, G replaced by A.
Protein change: p.Arg168His; replaces arginine 168 with histidine.
Molecular consequence: missense variant.
Genome position (GRCh38, 1-based): chr4:55,957,253, G>A. VCF-style: chr4-55957253-G-A. GRCh37 (hg19) VCF-style: chr4-56823419-G-A.
Other names: short protein forms R168H.
Identifiers: ClinVar variation 1430068 (VCV001430068.6), dbSNP rs755001124, ClinGen allele CA2927575.